The following is an entry in ClinVar:

NM_004006.3(DMD):c.6614+1G>C

Gene: DMD (dystrophin; minus strand). Cytogenetic location: Xp21.1.
Variant type: single nucleotide variant.
Coding change: c.6614+1G>C on transcript NM_004006.3 (MANE Select); the canonical splice donor site of the intron after coding-DNA position 6614, G replaced by C.
Molecular consequence: splice donor variant.
Genome position (GRCh38, 1-based): chrX:31,968,338, C>G on the plus strand (G>C on the coding strand, the complement: DMD is on the minus strand). VCF-style: chrX-31968338-C-G. GRCh37 (hg19) VCF-style: chrX-31986455-C-G.
Other names: c.6590+1G>C (NM_000109.4); c.2591+1G>C (NM_004011.4); c.2582+1G>C (NM_004012.4); c.-767+1G>C (NM_004023.3, NM_004020.4, NM_004022.3 and 2 more transcripts); c.6602+1G>C (NM_004009.3); c.6245+1G>C (NM_004010.3).
Identifiers: ClinVar variation 1344498 (VCV001344498.3), dbSNP rs2150186856, ClinGen allele CA412659454.

ClinVar aggregate classification (germline): Pathogenic (1 of 4 stars; one submission).

Conditions:
Duchenne muscular dystrophy (DMD). Also called: MUSCULAR DYSTROPHY, PSEUDOHYPERTROPHIC PROGRESSIVE, DUCHENNE TYPE; Duchenne Muscular Dystrophy (DMD). Identifiers: Orphanet 98896, MedGen C0013264, MONDO:0010679, OMIM 310200.

Submission:

Center for Comprehensive Genetic Services, Shahid Beheshti University of Medical Sciences
Classification: Pathogenic for Duchenne muscular dystrophy. Last evaluated: 2022-03-15. Review status: criteria provided, single submitter. Criteria: ACMG Guidelines, 2015. Collection method: clinical testing. Allele origin: germline. Inheritance: X-linked recessive inheritance. Affected: yes. Observed: 1 hemizygote.
Comment: There is a consanguineous family with two boys suffering from motor delay, muscular weakness, and elevated CPK and ALT. The variant was detected by WES and confirmed via Sanger seq. Interestingly, Mother is normal homozygous and both children are mutant Hemizygous. It is most likely to result from germline mosaicism.